The following is an entry in ClinVar:

ClinVar aggregate classification (germline): Likely benign (0 of 4 stars; one submission).

Conditions:
MKS1-related disorder. Also called: MKS1-related condition; MKS1-related disorders. Identifiers: MedGen CN239382.

Submission:

PreventionGenetics, part of Exact Sciences
Classification: Likely benign for MKS1-related condition. Last evaluated: 2024-04-05. Review status: no assertion criteria provided. Collection method: clinical testing. Allele origin: germline.
Comment: This variant is classified as likely benign based on ACMG/AMP sequence variant interpretation guidelines (Richards et al. 2015 PMID: 25741868, with internal and published modifications).

NM_017777.4(MKS1):c.262-157del

Gene: MKS1 (MKS transition zone complex subunit 1; minus strand). Cytogenetic location: 17q22.
Variant type: Deletion.
Coding change: c.262-157del on transcript NM_017777.4 (MANE Select); 157 bases into the intron before coding-DNA position 262, one base deleted (T; older notation c.262-157delT).
Molecular consequence: intron variant.
Genome position (GRCh38, 1-based): chr17:58,216,400, A deleted on the plus strand (T on the coding strand, the reverse complement: MKS1 is on the minus strand); the first of 2 consecutive A bases (chr17:58,216,400-58,216,401); deleting either gives the same sequence. VCF-style (leftmost placement, unchanged base first): chr17-58216399-GA-G. GRCh37 (hg19) VCF-style: chr17-56293760-GA-G.
Other names: c.-250-157del (NM_001321268.2); c.262-157del (NM_001330397.2, NM_001321269.2, NM_001411113.1).
Identifiers: ClinVar variation 3352112 (VCV003352112.1).